The following is an entry in ClinVar:

NM_013382.7(POMT2):c.1540T>A (p.Ser514Thr)

Gene: POMT2 (protein O-mannosyltransferase 2; minus strand). Cytogenetic location: 14q24.3.
Variant type: single nucleotide variant.
Coding change: c.1540T>A on transcript NM_013382.7 (MANE Select); coding-DNA position 1540, T replaced by A.
Protein change: p.Ser514Thr; replaces serine 514 with threonine.
Molecular consequence: missense variant.
Genome position (GRCh38, 1-based): chr14:77,284,986, A>T on the plus strand (T>A on the coding strand, the complement: POMT2 is on the minus strand). VCF-style: chr14-77284986-A-T. GRCh37 (hg19) VCF-style: chr14-77751329-A-T.
Other names: short protein forms S514T.
Identifiers: ClinVar variation 572824 (VCV000572824.8), dbSNP rs1566647081, ClinGen allele CA390516951.

ClinVar aggregate classification (germline): Uncertain significance (1 of 4 stars; one submission).

Conditions:
Muscular dystrophy-dystroglycanopathy (congenital with impaired intellectual development), type B, 2. Also called: Muscular dystrophy-dystroglycanopathy (congenital with intellectual disability), type B2; MUSCULAR DYSTROPHY, CONGENITAL, POMT2-RELATED. Identifiers: MedGen C3150416, MONDO:0013160, OMIM 613156.
Autosomal recessive limb-girdle muscular dystrophy type 2N. Also called: Muscular dystrophy-dystroglycanopathy (limb-girdle), type C, 2; MUSCULAR DYSTROPHY-DYSTROGLYCANOPATHY, LIMB-GIRDLE, POMT2-RELATED. Identifiers: Orphanet 206559, MedGen C3150418, MONDO:0013162, OMIM 613158.
Muscular dystrophy-dystroglycanopathy (congenital with brain and eye anomalies), type A2. Also called: MUSCULAR DYSTROPHY-DYSTROGLYCANOPATHY (CONGENITAL WITH BRAIN AND EYE ANOMALIES), TYPE A, 2; WALKER-WARBURG SYNDROME OR MUSCLE-EYE-BRAIN DISEASE, POMT2-RELATED. Identifiers: Orphanet 588, Orphanet 899, MedGen C3150411, MONDO:0013154, OMIM 613150.

Submission:

Labcorp Genetics (formerly Invitae), Labcorp
Classification: Uncertain significance for Muscular dystrophy-dystroglycanopathy (congenital with impaired intellectual development), type B, 2; Muscular dystrophy-dystroglycanopathy (congenital with brain and eye anomalies), type A2; Autosomal recessive limb-girdle muscular dystrophy type 2N. Last evaluated: 2021-08-28. Review status: criteria provided, single submitter. Criteria: Invitae Variant Classification Sherloc (09022015). Collection method: clinical testing. Allele origin: germline.
Comment: This sequence change replaces serine with threonine at codon 514 of the POMT2 protein (p.Ser514Thr). The serine residue is highly conserved and there is a small physicochemical difference between serine and threonine. This variant is not present in population databases (ExAC no frequency). This variant has not been reported in the literature in individuals affected with POMT2-related conditions. Algorithms developed to predict the effect of missense changes on protein structure and function (SIFT, PolyPhen-2, Align-GVGD) all suggest that this variant is likely to be tolerated. In summary, the available evidence is currently insufficient to determine the role of this variant in disease. Therefore, it has been classified as a Variant of Uncertain Significance.